The following is an entry in ClinVar:

ClinVar aggregate classification (germline): Likely benign. Review status: criteria provided, multiple submitters, no conflicts (2 of 4 stars). 2 submissions from 2 submitters: Likely benign (2). Last evaluated 2026-05-23.

Conditions:
VPS13B-related disorder. Also called: VPS13B-related condition.
Cohen syndrome (COH1). Also called: PEPPER SYNDROME; Cutis verticis gyrata, retinitis pigmentosa, and sensorineural deafness. Identifiers: Orphanet 193, MedGen C0265223, MONDO:0008999, OMIM 216550.

Allele frequency attached by ClinVar (database versions not stated): TOPMed below 0.00001; gnomAD 0.00001.
gnomAD v4.1: 1 of 1,613,568 alleles (0.000062%); highest among the groups gnomAD compares: African/African-American, 0.0013%; no homozygotes.

Submissions (2):

PreventionGenetics, part of Exact Sciences
Classification: Likely benign for VPS13B-related condition. Last evaluated: 2026-05-23. Review status: criteria provided, single submitter. Criteria: ACMG Guidelines, 2015. Collection method: clinical testing. Allele origin: germline.
Comment: This variant is classified as likely benign based on ACMG/AMP sequence variant interpretation guidelines (Richards et al. 2015 PMID: 25741868, with internal and published modifications).

Labcorp Genetics (formerly Invitae), Labcorp
Classification: Likely benign for Cohen syndrome. Last evaluated: 2025-12-28. Review status: criteria provided, single submitter. Criteria: Invitae Variant Classification Sherloc (09022015). Collection method: clinical testing. Allele origin: germline.

NM_152564.5(VPS13B):c.8446-6T>G

Gene: VPS13B (vacuolar protein sorting 13 homolog B; plus strand). Cytogenetic location: 8q22.2.
Variant type: single nucleotide variant.
Coding change: c.8446-6T>G on transcript NM_152564.5 (MANE Select); 6 bases into the intron before coding-DNA position 8446, T replaced by G.
Molecular consequence: intron variant.
Genome position (GRCh38, 1-based): chr8:99,818,707, T>G. VCF-style: chr8-99818707-T-G. GRCh37 (hg19) VCF-style: chr8-100830935-T-G.
Other names: c.8521-6T>G (NM_017890.5); c.8446-6T>G (NM_152564.4).
Identifiers: ClinVar variation 2138867 (VCV002138867.5), dbSNP rs1814192328, ClinGen allele CA1117126186.